The following is an entry in ClinVar:

ClinVar aggregate classification (germline): Pathogenic/Likely pathogenic. Review status: criteria provided, multiple submitters, no conflicts (2 of 4 stars). 4 submissions from 4 submitters: Pathogenic (2); Likely pathogenic (2). Last evaluated 2026-09-09.

Conditions:
Epidermolysis bullosa dystrophica. Also called: Dystrophic epidermolysis bullosa, Hallopeau-Siemens type (formerly); Dystrophic epidermolysis bullosa. Identifiers: Orphanet 303, MedGen C0079294, MONDO:0006543.
Recessive dystrophic epidermolysis bullosa (RDEB). Also called: severe generalized recessive dystrophic epidermolysis bullosa; epidermolysis bullosa dystrophica, autosomal recessive; EPIDERMOLYSIS BULLOSA DYSTROPHICA, GENERALIZED SEVERE, AUTOSOMAL RECESSIVE; Epidermolysis Bullosa Distrophica Autosomal Recessive (RDEB); Recessive DEB (RDEB); DYSTROPHIC EPIDERMOLYSIS BULLOSA, AUTOSOMAL RECESSIVE. Identifiers: Orphanet 79408, Orphanet 79409, MedGen C0079474, MONDO:0009179, OMIM 226600.

Allele frequency attached by ClinVar (database versions not stated): gnomAD exomes 0.00001.
gnomAD v4.1: 17 of 1,612,000 alleles (0.0011%); highest among the groups gnomAD compares: Non-Finnish European, 0.0014%; no homozygotes.

Submissions (4):

Myriad Genetics, Inc.
Classification: Pathogenic for Recessive dystrophic epidermolysis bullosa. Last evaluated: 2026-09-09. Review status: criteria provided, single submitter. Criteria: Myriad Autosomal Dominant, Autosomal Recessive and X-Linked Classification Criteria (2023). Collection method: clinical testing. Allele origin: unknown.
Comment: NM_000094.3(COL7A1):c.8156G>C(G2719A) is a missense variant classified as pathogenic in the context of dystrophic epidermolysis bullosa. G2719A has been observed in cases with relevant disease (PMID: 16971478, 17425959, 21113014, 24213372). Relevant functional assessments of this variant are available in the literature (PMID: 34674926). Internal structural analysis of the variant is supportive of pathogenicity. G2719A has been observed in referenced population frequency databases. In summary, NM_000094.3(COL7A1):c.8156G>C(G2719A) is a missense variant that has functional support for pathogenicity and has been observed more frequently in cases with the relevant disease than in healthy populations. Please note: this variant was assessed in the context of healthy population screening.

Women's Health and Genetics/Laboratory Corporation of America, LabCorp
Classification: Likely pathogenic for Recessive dystrophic epidermolysis bullosa. Last evaluated: 2026-01-15. Review status: criteria provided, single submitter. Criteria: LabCorp Variant Classification Summary - May 2015. Collection method: clinical testing. Allele origin: germline.
Comment: Variant summary: COL7A1 c.8156G>C (p.Gly2719Ala) results in a non-conservative amino acid change in the encoded protein sequence. Algorithms developed to predict the effect of missense changes on protein structure and function all suggest that this variant is likely to be disruptive. This variant disrupts the triple helix domain of COL7A1. Glycine residues within the Gly-Xaa-Yaa repeats of the triple helix domain are required for the structure and stability of fibrillar collagens (PMID: 7695699, 8218237, 19344236). The variant allele was found at a frequency of 8e-06 in 250272 control chromosomes.c.8156G>C has been observed in individual(s) affected with autosomal recessive Dystrophic Epidermolysis Bullosa (e.g. Dang_2007, Varki_2007, van den Akker_2011). These data indicate that the variant may be associated with disease. At least one publication reports experimental evidence evaluating an impact on protein function, however, does not allow convincing conclusions about the variant effect (Woodley_2021). The following publications have been ascertained in the context of this evaluation (PMID: 21448560, 17425959, 16500083, 16971478, 34674926, 21113014). ClinVar contains an entry for this variant (Variation ID: 2203354). Based on the evidence outlined above, the variant was classified as likely pathogenic.

Natera, Inc.
Classification: Likely pathogenic for Dystrophic epidermolysis bullosa. Last evaluated: 2024-07-21. Review status: criteria provided, single submitter. Criteria: Natera Variant Classification Schema (03/2026). Collection method: clinical testing. Allele origin: germline.
Comment: The c.8156G>C variant in COL7A1 is a missense variant predicted to cause substitution of glycine to alanine at amino acid 2719. This variant is rare in the general population with a frequency below the threshold expected for the associated phenotype(s). This variant has been observed in one or more individuals affected with the associated recessive disease, as either homozygous or compound heterozygous with a second variant (PMID: 16971478, 17425959). Computational prediction algorithms indicate this variant is likely to affect gene or protein function. Given the available evidence, this variant is classified as Likely Pathogenic.

Labcorp Genetics (formerly Invitae), Labcorp
Classification: Pathogenic. Last evaluated: 2023-09-29. Review status: criteria provided, single submitter. Criteria: Invitae Variant Classification Sherloc (09022015). Collection method: clinical testing. Allele origin: germline.
Comment: This sequence change replaces glycine, which is neutral and non-polar, with alanine, which is neutral and non-polar, at codon 2719 of the COL7A1 protein (p.Gly2719Ala). This variant disrupts the triple helix domain of COL7A1. Glycine residues within the Gly-Xaa-Yaa repeats of the triple helix domain are required for the structure and stability of fibrillar collagens (PMID: 7695699, 8218237, 19344236), and variants at these glycine residues in COL7A1 are more frequently observed in individuals with disease than in the general population (PMID: 22058051). However, the clinical significance of this observation remains uncertain since only a limited number of affected individuals have been described to date. This variant is present in population databases (no rsID available, gnomAD 0.002%). This missense change has been observed in individual(s) with autosomal recessive epidermolysis bullosa dystrophica (PMID: 16971478, 17425959, 21113014). In at least one individual the data is consistent with being in trans (on the opposite chromosome) from a pathogenic variant. ClinVar contains an entry for this variant (Variation ID: 2203354). Advanced modeling of protein sequence and biophysical properties (such as structural, functional, and spatial information, amino acid conservation, physicochemical variation, residue mobility, and thermodynamic stability) has been performed at Invitae for this missense variant, however the output from this modeling did not meet the statistical confidence thresholds required to predict the impact of this variant on COL7A1 protein function. For these reasons, this variant has been classified as Pathogenic.

Literature cited by the submitters: PubMed 16971478 (cited by 4 submitters); PubMed 17425959 (cited by 4 submitters); PubMed 21113014 (cited by 3 submitters); PubMed 24213372 (cited by Myriad Genetics, Inc.); PubMed 34674926 (cited by Myriad Genetics, Inc. and Women's Health and Genetics/Laboratory Corporation of America, LabCorp); PubMed 21448560 (cited by Women's Health and Genetics/Laboratory Corporation of America, LabCorp); PubMed 16500083 (cited by Women's Health and Genetics/Laboratory Corporation of America, LabCorp); PubMed 7695699 (cited by Labcorp Genetics (formerly Invitae), Labcorp); PubMed 8218237 (cited by Labcorp Genetics (formerly Invitae), Labcorp); PubMed 19344236 (cited by Labcorp Genetics (formerly Invitae), Labcorp); PubMed 22058051 (cited by Labcorp Genetics (formerly Invitae), Labcorp).

NM_000094.4(COL7A1):c.8156G>C (p.Gly2719Ala)

Gene: COL7A1 (collagen type VII alpha 1 chain; minus strand). Cytogenetic location: 3p21.31.
Variant type: single nucleotide variant.
Coding change: c.8156G>C on transcript NM_000094.4 (MANE Select); coding-DNA position 8156, G replaced by C.
Protein change: p.Gly2719Ala; replaces glycine 2719 with alanine.
Molecular consequence: missense variant.
Genome position (GRCh38, 1-based): chr3:48,566,977, C>G on the plus strand (G>C on the coding strand, the complement: COL7A1 is on the minus strand). VCF-style: chr3-48566977-C-G. GRCh37 (hg19) VCF-style: chr3-48604410-C-G.
Other names: short protein forms G2719A.
Identifiers: ClinVar variation 2203354 (VCV002203354.10), dbSNP rs1164917118, ClinGen allele CA352639970.